The following is an entry in ClinVar:

ClinVar aggregate classification (germline): Benign. Review status: criteria provided, multiple submitters, no conflicts (2 of 4 stars). 17 submissions from 15 submitters: Benign (13). 4 of the submissions do not count toward it. Last evaluated 2026-02-04.

Conditions:
Dystonia 27 (DYT27). Identifiers: Orphanet 464440, MedGen C4225336, MONDO:0014627, OMIM 616411.
Collagen 6-related myopathy. Identifiers: MedGen CN117976, MONDO:0100225.
Ullrich congenital muscular dystrophy 1A. Also called: Intermediate COL6-RD; Ullrich congenital muscular dystrophy 1. Identifiers: Orphanet 75840, MedGen C0410179, MONDO:0009681, OMIM 254090.
Bethlem myopathy 1A. Also called: MYOPATHY, BENIGN CONGENITAL, WITH CONTRACTURES; Bethlem myopathy 1; Bethlem Muscular Dystrophy. Identifiers: Orphanet 610, MedGen CN029274, MONDO:0024530, OMIM 158810.

Allele frequency attached by ClinVar (database versions not stated): gnomAD 0.36920 and 0.36870; ESP Exome Variant Server 0.36229; gnomAD exomes 0.38509 and 0.38644; TOPMed 0.35548; 1000 Genomes Project 0.34625; 1000 Genomes Project 30x 0.33869; ExAC 0.38840.
gnomAD v4.1: 620,603 of 1,612,638 alleles (38%); highest among the groups gnomAD compares: East Asian, 50%; 121,469 homozygotes.

Submissions (17):

Labcorp Genetics (formerly Invitae), Labcorp
Classification: Benign for Bethlem myopathy 1A. Last evaluated: 2026-02-04. Review status: criteria provided, single submitter. Criteria: Invitae Variant Classification Sherloc (09022015). Collection method: clinical testing. Allele origin: germline.

Blueprint Genetics
Classification: Benign. Last evaluated: 2024-11-26. Review status: criteria provided, single submitter. Criteria: ACMG Guidelines, 2015. Collection method: clinical testing. Allele origin: germline.

Unidad de Genómica Garrahan, Hospital de Pediatría Garrahan
Classification: Benign. Last evaluated: 2024-07-31. Review status: criteria provided, single submitter. Criteria: ACMG Guidelines, 2015. Collection method: clinical testing. Allele origin: germline. Affected: no. Observed: 42 variant alleles.
Comment: This variant is classified as Benign based on local population frequency. This variant was detected in 45% of patients studied in a panel designed for Epileptic and Developmental Encephalopathy, Progressive Myoclonus Epilepsy and Abnormal Movements and Neurodegeneration with brain iron accumulation. Number of patients: 42. Only high quality variants are reported.

Genome-Nilou Lab
Classification: Benign for Bethlem myopathy 1A. Last evaluated: 2021-07-30. Review status: criteria provided, single submitter. Criteria: ACMG Guidelines, 2015. Collection method: clinical testing. Allele origin: germline. Affected: no.

Genome-Nilou Lab
Classification: Benign for Dystonia 27. Last evaluated: 2021-07-30. Review status: criteria provided, single submitter. Criteria: ACMG Guidelines, 2015. Collection method: clinical testing. Allele origin: germline. Affected: no.

Genome-Nilou Lab
Classification: Benign for Ullrich congenital muscular dystrophy 1A. Last evaluated: 2021-07-30. Review status: criteria provided, single submitter. Criteria: ACMG Guidelines, 2015. Collection method: clinical testing. Allele origin: germline. Affected: no.

Illumina Laboratory Services, Illumina
Classification: Benign for Collagen VI-related myopathy. Last evaluated: 2018-01-13. Review status: criteria provided, single submitter. Criteria: ICSL Variant Classification Criteria 13 December 2019. Collection method: clinical testing. Allele origin: germline.
Comment: This variant was observed in the ICSL laboratory as part of a predisposition screen in an ostensibly healthy population. It had not been previously curated by ICSL or reported in the Human Gene Mutation Database (HGMD: prior to June 1st, 2018), and was therefore a candidate for classification through an automated scoring system. Utilizing variant allele frequency, disease prevalence and penetrance estimates, and inheritance mode, an automated score was calculated to assess if this variant is too frequent to cause the disease. Based on the score and internal cut-off values, a variant classified as benign is not then subjected to further curation. The score for this variant resulted in a classification of benign for this disease.

Mayo Clinic Laboratories, Mayo Clinic
Classification: Benign. Last evaluated: 2017-07-25. Review status: criteria provided, single submitter. Criteria: ACMG Guidelines, 2015. Collection method: clinical testing. Allele origin: germline. Observed: 476 variant alleles.

GeneDx
Classification: Benign. Last evaluated: 2016-01-14. Review status: criteria provided, single submitter. Criteria: GeneDx Variant Classification (06012015). Collection method: clinical testing. Allele origin: germline. Affected: yes.
Comment: This variant is considered likely benign or benign based on one or more of the following criteria: it is a conservative change, it occurs at a poorly conserved position in the protein, it is predicted to be benign by multiple in silico algorithms, and/or has population frequency not consistent with disease.

Genetic Services Laboratory, University of Chicago
Classification: Benign for AllHighlyPenetrant. Last evaluated: 2013-08-15. Review status: criteria provided, single submitter. Criteria: ACMG Guidelines, 2007. Collection method: clinical testing. Allele origin: germline.

Eurofins Ntd Llc (ga)
Classification: Benign. Last evaluated: 2012-07-09. Review status: criteria provided, single submitter. Criteria: EGL Classification Definitions 2015. Collection method: clinical testing. Allele origin: germline. Observed: 54 variant alleles, 39 heterozygotes, 15 homozygotes.

Breakthrough Genomics
Classification: Benign. Review status: criteria provided, single submitter. Criteria: ACMG Guidelines, 2015. Collection method: not provided. Allele origin: germline. Inheritance: Autosomal recessive inheritance. Affected: yes.

PreventionGenetics, part of Exact Sciences
Classification: Benign. Review status: criteria provided, single submitter. Criteria: ACMG Guidelines, 2015. Collection method: clinical testing. Allele origin: germline.

Clinical Genetics, Academic Medical Center
Classification: Benign. Review status: no assertion criteria provided. Collection method: clinical testing. Allele origin: germline. Affected: yes. Study: VKGL Data-share Consensus. Not counted in ClinVar's aggregate classification.

Diagnostic Laboratory, Department of Genetics, University Medical Center Groningen
Classification: Benign. Review status: no assertion criteria provided. Collection method: clinical testing. Allele origin: germline. Affected: yes. Study: VKGL Data-share Consensus. Not counted in ClinVar's aggregate classification.

Genome Diagnostics Laboratory, University Medical Center Utrecht
Classification: Benign. Review status: no assertion criteria provided. Collection method: clinical testing. Allele origin: germline. Affected: yes. Study: VKGL Data-share Consensus. Not counted in ClinVar's aggregate classification.

Joint Genome Diagnostic Labs from Nijmegen and Maastricht, Radboudumc and MUMC+
Classification: Benign. Review status: no assertion criteria provided. Collection method: clinical testing. Allele origin: germline. Affected: yes. Study: VKGL Data-share Consensus. Not counted in ClinVar's aggregate classification.

NM_004369.4(COL6A3):c.9206C>T (p.Thr3069Ile)

Gene: COL6A3 (collagen type VI alpha 3 chain; minus strand). Cytogenetic location: 2q37.3.
Variant type: single nucleotide variant.
Coding change: c.9206C>T on transcript NM_004369.4 (MANE Select); coding-DNA position 9206, C replaced by T.
Protein change: p.Thr3069Ile; replaces threonine 3069 with isoleucine.
Molecular consequence: missense variant.
Genome position (GRCh38, 1-based): chr2:237,334,649, G>A on the plus strand (C>T on the coding strand, the complement: COL6A3 is on the minus strand). VCF-style: chr2-237334649-G-A. GRCh37 (hg19) VCF-style: chr2-238243292-G-A.
Other names: c.7385C>T, p.Thr2462Ile (NM_057166.5); c.8588C>T, p.Thr2863Ile (NM_057167.4); short protein forms T2462I, T2863I.
Identifiers: ClinVar variation 95018 (VCV000095018.32), dbSNP rs1131296, ClinGen allele CA148098.